The following is an entry in ClinVar:

ClinVar aggregate classification (germline): Uncertain significance (1 of 4 stars; one submission).

Conditions:
Charcot-Marie-Tooth disease dominant intermediate F. Identifiers: Orphanet 352670, MedGen C4749463, MONDO:0014074, OMIM 615185.

Submission:

Labcorp Genetics (formerly Invitae), Labcorp
Classification: Uncertain significance for Charcot-Marie-Tooth disease dominant intermediate F. Last evaluated: 2024-12-05. Review status: criteria provided, single submitter. Criteria: Invitae Variant Classification Sherloc (09022015). Collection method: clinical testing. Allele origin: germline.
Comment: This sequence change replaces asparagine, which is neutral and polar, with aspartic acid, which is acidic and polar, at codon 110 of the GNB4 protein (p.Asn110Asp). This variant is not present in population databases (gnomAD no frequency). This variant has not been reported in the literature in individuals affected with GNB4-related conditions. Invitae Evidence Modeling of protein sequence and biophysical properties (such as structural, functional, and spatial information, amino acid conservation, physicochemical variation, residue mobility, and thermodynamic stability) indicates that this missense variant is not expected to disrupt GNB4 protein function with a negative predictive value of 95%. In summary, the available evidence is currently insufficient to determine the role of this variant in disease. Therefore, it has been classified as a Variant of Uncertain Significance.

NM_021629.4(GNB4):c.328A>G (p.Asn110Asp)

Gene: GNB4 (G protein subunit beta 4; minus strand). Cytogenetic location: 3q26.33.
Variant type: single nucleotide variant.
Coding change: c.328A>G on transcript NM_021629.4 (MANE Select); coding-DNA position 328, A replaced by G.
Protein change: p.Asn110Asp; replaces asparagine 110 with aspartic acid.
Molecular consequence: missense variant.
Genome position (GRCh38, 1-based): chr3:179,414,987, T>C on the plus strand (A>G on the coding strand, the complement: GNB4 is on the minus strand). VCF-style: chr3-179414987-T-C. GRCh37 (hg19) VCF-style: chr3-179132775-T-C.
Other names: short protein forms N110D.
Identifiers: ClinVar variation 3721188 (VCV003721188.2).